The following is an entry in ClinVar:

ClinVar aggregate classification (germline): Uncertain significance (1 of 4 stars; one submission).

Conditions:
Neuropathy, hereditary sensory, type 2C. Also called: KIF1A-Related HSAN2 (HSAN2C); Hereditary sensory and autonomic neuropathy type IIC. Identifiers: Orphanet 970, MedGen C3280168, MONDO:0013634, OMIM 614213.
Hereditary spastic paraplegia 30. Identifiers: Orphanet 101010, MedGen C5235139, MONDO:0012476.
Intellectual disability, autosomal dominant 9 (NESCAVS). Also called: NESCAV SYNDROME; KIF1A-Related Neurodevelopmental Disorder. Identifiers: Orphanet 662367, MedGen C5393830, MONDO:0013656, OMIM 614255.

Submission:

Labcorp Genetics (formerly Invitae), Labcorp
Classification: Uncertain significance for Hereditary spastic paraplegia 30; Neuropathy, hereditary sensory, type 2C; Intellectual disability, autosomal dominant 9. Last evaluated: 2025-09-02. Review status: criteria provided, single submitter. Criteria: Invitae Variant Classification Sherloc (09022015). Collection method: clinical testing. Allele origin: germline.
Comment: This sequence change replaces valine, which is neutral and non-polar, with leucine, which is neutral and non-polar, at codon 953 of the KIF1A protein (p.Val953Leu). This variant is not present in population databases (gnomAD no frequency). This variant has not been reported in the literature in individuals affected with KIF1A-related conditions. ClinVar contains an entry for this variant (Variation ID: 2940832). Invitae Evidence Modeling of protein sequence and biophysical properties (such as structural, functional, and spatial information, amino acid conservation, physicochemical variation, residue mobility, and thermodynamic stability) indicates that this missense variant is not expected to disrupt KIF1A protein function with a negative predictive value of 95%. In summary, the available evidence is currently insufficient to determine the role of this variant in disease. Therefore, it has been classified as a Variant of Uncertain Significance.

NM_001244008.2(KIF1A):c.3160G>T (p.Val1054Leu)

Gene: KIF1A (kinesin family member 1A; minus strand). Cytogenetic location: 2q37.3.
Variant type: single nucleotide variant.
Coding change: c.3160G>T on transcript NM_001244008.2 (MANE Select); coding-DNA position 3160, G replaced by T.
Protein change: p.Val1054Leu; replaces valine 1054 with leucine.
Molecular consequence: missense variant.
Genome position (GRCh38, 1-based): chr2:240,746,081, C>A on the plus strand (G>T on the coding strand, the complement: KIF1A is on the minus strand). VCF-style: chr2-240746081-C-A. GRCh37 (hg19) VCF-style: chr2-241685498-C-A.
Other names: c.2884G>T, p.Val962Leu (NM_001320705.2, NM_001330289.2, NM_001379638.1); c.2959G>T, p.Val987Leu (NM_001330290.2, NM_001379634.1, NM_001379635.1 and 1 more transcripts); c.3235G>T, p.Val1079Leu (NM_001379631.1); c.3109G>T, p.Val1037Leu (NM_001379632.1); c.3133G>T, p.Val1045Leu (NM_001379633.1, NM_001379642.1, NM_001379645.1); c.2857G>T, p.Val953Leu (NM_001379636.1, NM_001379639.1, NM_001379640.1 and 7 more transcripts); c.2932G>T, p.Val978Leu (NM_001379637.1, NM_001379648.1); short protein forms V1079L, V1037L, V953L, V978L, V987L, V1045L, V1054L, V962L.
Identifiers: ClinVar variation 2940832 (VCV002940832.3), dbSNP rs371233697, ClinGen allele CA351318837.